The following is an entry in ClinVar:

ClinVar aggregate classification (germline): Uncertain significance (1 of 4 stars; one submission).

Conditions:
Gorlin syndrome. Also called: Nevoid Basal Cell Carcinoma Syndrome; Basal cell nevus syndrome. Identifiers: Orphanet 377, MedGen C0004779, MONDO:0007187.

gnomAD v4.1: 1 of 1,614,158 alleles (0.000062%); highest among the groups gnomAD compares: Non-Finnish European, 0.000085%; no homozygotes.

Submission:

Labcorp Genetics (formerly Invitae), Labcorp
Classification: Uncertain significance for Gorlin syndrome. Last evaluated: 2025-05-05. Review status: criteria provided, single submitter. Criteria: Invitae Variant Classification Sherloc (09022015). Collection method: clinical testing. Allele origin: germline.
Comment: This sequence change replaces threonine, which is neutral and polar, with serine, which is neutral and polar, at codon 161 of the PTCH1 protein (p.Thr161Ser). This variant is not present in population databases (gnomAD no frequency). This variant has not been reported in the literature in individuals affected with PTCH1-related conditions. ClinVar contains an entry for this variant (Variation ID: 3007585). Invitae Evidence Modeling of protein sequence and biophysical properties (such as structural, functional, and spatial information, amino acid conservation, physicochemical variation, residue mobility, and thermodynamic stability) has been performed for this missense variant. However, the output from this modeling did not meet the statistical confidence thresholds required to predict the impact of this variant on PTCH1 protein function. In summary, the available evidence is currently insufficient to determine the role of this variant in disease. Therefore, it has been classified as a Variant of Uncertain Significance.

NM_000264.5(PTCH1):c.482C>G (p.Thr161Ser)

Gene: PTCH1 (patched 1; minus strand). Cytogenetic location: 9q22.32.
Variant type: single nucleotide variant.
Coding change: c.482C>G on transcript NM_000264.5 (MANE Select); coding-DNA position 482, C replaced by G.
Protein change: p.Thr161Ser; replaces threonine 161 with serine.
Molecular consequence: missense variant. On other transcripts: non-coding transcript variant (1).
Genome position (GRCh38, 1-based): chr9:95,485,787, G>C on the plus strand (C>G on the coding strand, the complement: PTCH1 is on the minus strand). VCF-style: chr9-95485787-G-C. GRCh37 (hg19) VCF-style: chr9-98248069-G-C.
Other names: c.284C>G, p.Thr95Ser (NM_001083602.3, NM_001354919.2); c.479C>G, p.Thr160Ser (NM_001083603.3); c.29C>G, p.Thr10Ser (NM_001083604.3, NM_001083605.3, NM_001083606.3 and 1 more transcripts); c.482C>G, p.Thr161Ser (NM_001354918.2); short protein forms T160S, T95S, T161S, T10S.
Identifiers: ClinVar variation 3007585 (VCV003007585.3), dbSNP rs1841921368, ClinGen allele CA374116990.